The following is an entry in ClinVar:

NM_020203.6(MEPE):c.667C>T (p.Leu223=)

Genes: MEPE (matrix extracellular phosphoglycoprotein; plus strand), MEPE-AS1 (MEPE and IBSP antisense RNA 1; minus strand). Cytogenetic location: 4q22.1.
Variant type: single nucleotide variant.
Coding change: c.667C>T on transcript NM_020203.6 (MANE Select); coding-DNA position 667, C replaced by T.
Protein change: p.Leu223=; no amino-acid change (leucine 223 retained).
Molecular consequence: synonymous variant.
Genome position (GRCh38, 1-based): chr4:87,845,535, C>T. VCF-style: chr4-87845535-C-T. GRCh37 (hg19) VCF-style: chr4-88766687-C-T.
Other names: c.667C>T, p.Leu223= (NM_001184694.3); c.328C>T, p.Leu110= (NM_001184695.4, NM_001184696.2, NM_001184697.2); c.760C>T, p.Leu254= (NM_001291183.2).
Identifiers: ClinVar variation 3053532 (VCV003053532.2), dbSNP rs548626494, ClinGen allele CA440295727.

ClinVar aggregate classification (germline): Likely benign (0 of 4 stars; one submission).

Conditions:
MEPE-related disorder. Also called: MEPE-related condition.

Allele frequency attached by ClinVar (database versions not stated): TOPMed below 0.00001.

Submission:

PreventionGenetics, part of Exact Sciences
Classification: Likely benign for MEPE-related condition. Last evaluated: 2019-08-12. Review status: no assertion criteria provided. Collection method: clinical testing. Allele origin: germline.
Comment: This variant is classified as likely benign based on ACMG/AMP sequence variant interpretation guidelines (Richards et al. 2015 PMID: 25741868, with internal and published modifications).